The following is an entry in ClinVar:

NM_006790.3(MYOT):c.956G>A (p.Gly319Glu)

Genes: MYOT (myotilin; plus strand), PKD2L2-DT (PKD2L2 divergent transcript; minus strand). Cytogenetic location: 5q31.2.
Variant type: single nucleotide variant.
Coding change: c.956G>A on transcript NM_006790.3 (MANE Select); coding-DNA position 956, G replaced by A.
Protein change: p.Gly319Glu; replaces glycine 319 with glutamic acid.
Molecular consequence: missense variant.
Genome position (GRCh38, 1-based): chr5:137,883,523, G>A. VCF-style: chr5-137883523-G-A. GRCh37 (hg19) VCF-style: chr5-137219212-G-A.
Other names: c.404G>A, p.Gly135Glu (NM_001135940.2); c.611G>A, p.Gly204Glu (NM_001300911.2); short protein forms G135E, G204E, G319E.
Identifiers: ClinVar variation 928482 (VCV000928482.1), dbSNP rs1330407694, ClinGen allele CA361055800.
Genomic context (GRCh38, chr5:137,883,523, plus strand): 5'-TAGTGTCTGAGAAGGGTCTTCATTCACTCATCTTTGAAGTAGTCAGAGCTTCAGATGCAG[G>A]GGCTTATGCATGTGTTGCCAAGAATAGAGCAGGAGAAGCCACCTTCACTGTGCAGCTGGA-3'
Protein context (NP_006781.1, residues 309-329): IFEVVRASDA[Gly319Glu]AYACVAKNRA

ClinVar aggregate classification (germline): Uncertain significance (1 of 4 stars; one submission).

Allele frequency attached by ClinVar (database versions not stated): gnomAD exomes below 0.00001.
gnomAD v4.1: 6 of 1,614,098 alleles (0.00037%); highest among the groups gnomAD compares: Non-Finnish European, 0.00051%; no homozygotes.

Submission:

Women's Health and Genetics/Laboratory Corporation of America, LabCorp
Classification: Uncertain significance. Last evaluated: 2019-05-30. Review status: criteria provided, single submitter. Criteria: LabCorp Variant Classification Summary - May 2015. Collection method: clinical testing. Allele origin: germline.
Comment: Variant summary: MYOT c.956G>A (p.Gly319Glu) results in a non-conservative amino acid change located in the immunoglobulin-like domain (IPR007110) of the encoded protein sequence. Five of five in-silico tools predict a damaging effect of the variant on protein function. The variant allele was found at a frequency of 4e-06 in 251462 control chromosomes (gnomAD). The available data on variant occurrences in the general population are insufficient to allow any conclusion about variant significance. To our knowledge, no occurrence of c.956G>A in individuals affected with Spheroid body myopathy and no experimental evidence demonstrating its impact on protein function have been reported. No clinical diagnostic laboratories have submitted clinical-significance assessments for this variant to ClinVar after 2014. Based on the evidence outlined above, the variant was classified as uncertain significance.